The following is an entry in ClinVar:

NM_006361.6(HOXB13):c.27G>A (p.Leu9=)

Gene: HOXB13 (homeobox B13; minus strand). Cytogenetic location: 17q21.32.
Variant type: single nucleotide variant.
Coding change: c.27G>A on transcript NM_006361.6 (MANE Select); coding-DNA position 27, G replaced by A.
Protein change: p.Leu9=; no amino-acid change (leucine 9 retained).
Molecular consequence: synonymous variant.
Genome position (GRCh38, 1-based): chr17:48,728,567, C>T on the plus strand (G>A on the coding strand, the complement: HOXB13 is on the minus strand). VCF-style: chr17-48728567-C-T. GRCh37 (hg19) VCF-style: chr17-46805929-C-T.
Identifiers: ClinVar variation 3717611 (VCV003717611.4).

ClinVar aggregate classification (germline): Benign/Likely benign. Review status: criteria provided, multiple submitters, no conflicts (2 of 4 stars). 3 submissions from 3 submitters: Benign (1); Likely benign (2). Last evaluated 2025-03-24.

Conditions:
Prostate cancer, hereditary, 9 (HPC9). Identifiers: Orphanet 1331, MedGen C1970250, MONDO:0012597, OMIM 610997.
Hereditary cancer-predisposing syndrome. Also called: Tumor predisposition; Hereditary Cancer Syndrome; Hereditary neoplastic syndrome; Neoplastic Syndromes, Hereditary. Identifiers: Orphanet 140162, MedGen C0027672, MeSH D009386, MONDO:0015356.

Submissions (3):

Ambry Genetics
Classification: Likely benign for Hereditary cancer-predisposing syndrome. Last evaluated: 2025-03-24. Review status: criteria provided, single submitter. Criteria: Ambry Variant Classification Scheme 2023. Collection method: clinical testing. Allele origin: germline.

Myriad Genetics, Inc.
Classification: Benign for Prostate cancer, hereditary, 9. Last evaluated: 2024-10-28. Review status: criteria provided, single submitter. Criteria: Myriad Autosomal Dominant, Autosomal Recessive and X-Linked Classification Criteria (2023). Collection method: clinical testing. Allele origin: unknown.
Comment: This variant is considered benign. This variant is a silent/synonymous amino acid change and it is not expected to impact splicing.

Labcorp Genetics (formerly Invitae), Labcorp
Classification: Likely benign. Last evaluated: 2024-09-17. Review status: criteria provided, single submitter. Criteria: Invitae Variant Classification Sherloc (09022015). Collection method: clinical testing. Allele origin: germline.